The following is an entry in ClinVar:

ClinVar aggregate classification (germline): Uncertain significance (1 of 4 stars; one submission).

Conditions:
Spastic paraplegia, intellectual disability, nystagmus, and obesity. Also called: Spastic paraplegia, intellectual disability, nystagmus, and obesity;. Identifiers: Orphanet 521390, MedGen C4284592, MONDO:0015007, OMIM 617296.

Submission:

Centre for Mendelian Genomics, University Medical Centre Ljubljana
Classification: Uncertain significance for Spastic paraplegia, intellectual disability, nystagmus, and obesity. Last evaluated: 2019-12-11. Review status: criteria provided, single submitter. Criteria: ACMG Guidelines, 2015. Collection method: clinical testing. Allele origin: unknown. Affected: yes.
Comment: This variant was classified as: Uncertain significance. The available evidence on this variant's pathogenicity is insufficient or conflicting. The following ACMG criteria were applied in classifying this variant: PM2.

NM_020738.4(KIDINS220):c.2987T>G (p.Met996Arg)

Gene: KIDINS220 (kinase D interacting substrate 220; minus strand). Cytogenetic location: 2p25.1.
Variant type: single nucleotide variant.
Coding change: c.2987T>G on transcript NM_020738.4 (MANE Select); coding-DNA position 2987, T replaced by G.
Protein change: p.Met996Arg; replaces methionine 996 with arginine.
Molecular consequence: missense variant. On other transcripts: non-coding transcript variant (2).
Genome position (GRCh38, 1-based): chr2:8,770,694, A>C on the plus strand (T>G on the coding strand, the complement: KIDINS220 is on the minus strand). VCF-style: chr2-8770694-A-C. GRCh37 (hg19) VCF-style: chr2-8910824-A-C.
Other names: c.2990T>G, p.Met997Arg (NM_001348729.2, NM_001348731.2, NM_001348734.2 and 3 more transcripts); c.2987T>G, p.Met996Arg (NM_001348732.2, NM_001348735.2, NM_001348738.2 and 3 more transcripts); c.2861T>G, p.Met954Arg (NM_001348736.2); short protein forms M954R, M997R, M996R.
Identifiers: ClinVar variation 930776 (VCV000930776.3), dbSNP rs1376895839, ClinGen allele CA345773759.